The following is an entry in ClinVar:

NM_022455.5(NSD1):c.1726_1727del (p.Asn576fs)

Gene: NSD1 (nuclear receptor binding SET domain protein 1; plus strand). Cytogenetic location: 5q35.3.
Variant type: Deletion.
Coding change: c.1726_1727del on transcript NM_022455.5 (MANE Select); coding-DNA positions 1726 to 1727, 2 bases deleted (AA; older notation c.1726_1727delAA).
Protein change: p.Asn576fs; shifts the reading frame from asparagine 576.
Molecular consequence: frameshift variant.
Genome position (GRCh38, 1-based): chr5:177,210,125-177,210,126, AA deleted; deleting any 2 consecutive bases within chr5:177,210,121-177,210,126 gives the same sequence; the c. name uses the placement nearest the transcript's 3' end. VCF-style (leftmost placement, unchanged base first): chr5-177210120-GAA-G. GRCh37 (hg19) VCF-style: chr5-176637121-GAA-G.
Other names: c.853_854delAA, p.Asn285Hisfs (NM_001365684.2, NM_001409306.1, NM_001409307.1 and 3 more transcripts); c.1726_1727delAA, p.Asn576Hisfs (NM_001409301.1, NM_001409302.1, NM_001409303.1); c.1306_1307delAA, p.Asn436Hisfs (NM_001409304.1); c.973_974delAA, p.Asn325Hisfs (NM_001409305.1); short protein forms N307fs, N576fs.
Identifiers: ClinVar variation 2431842 (VCV002431842.2), dbSNP rs1299932363, ClinGen allele CA2580074055.
Genomic context (GRCh38, chr5:177,210,120, plus strand): 5'-TAGCAAATAGCCTCACAGGGTCCAACACTGCCCCAGGAAGTTTTCTGTTTTCTTCCTGTG[GAA>G]AAAACACTGCAAAGAAAGAATTTGAGACTTCAAATGGTGACTCTTTATTGGGCTTGCCTG-3'

ClinVar aggregate classification (germline): Likely pathogenic (1 of 4 stars; one submission).

Conditions:
Sotos syndrome (SOTOS). Also called: CHROMOSOME 5q35 DELETION SYNDROME; SOTOS SYNDROME 1; CEREBRAL GIGANTISM; Sotos' syndrome; Distinctive facial appearance, overgrowth in childhood, and learning disabilities or delayed development. Identifiers: Orphanet 821, MedGen C0175695, MONDO:0019349, OMIM 117550.

Submission:

Laboratorio de Genetica e Diagnostico Molecular, Hospital Israelita Albert Einstein
Classification: Likely pathogenic for Sotos syndrome. Last evaluated: 2022-06-14. Review status: criteria provided, single submitter. Criteria: ACMG Guidelines, 2015. Collection method: clinical testing. Allele origin: germline. Affected: yes. Observed: 1 variant allele.
Comment: ACMG classification criteria: PVS1 very strong, PM2 moderated